The following is an entry in ClinVar:

ClinVar aggregate classification (germline): Uncertain significance. Review status: criteria provided, multiple submitters, no conflicts (2 of 4 stars). 2 submissions from 2 submitters: Uncertain significance (2). Last evaluated 2026-03-30.

Conditions:
MAGEL2-related disorder. Also called: MAGEL2-related condition.

gnomAD v4.1: 12 of 1,613,402 alleles (0.00074%); highest among the groups gnomAD compares: South Asian, 0.0011%; no homozygotes.

Submissions (2):

GeneDx
Classification: Uncertain significance. Last evaluated: 2026-03-30. Review status: criteria provided, single submitter. Criteria: GeneDx Variant Classification Process June 2021. Collection method: clinical testing. Allele origin: germline.
Comment: Not observed at significant frequency in large population cohorts (gnomAD); In silico analysis suggests that this missense variant does not alter protein structure/function; Has not been previously published as pathogenic or benign to our knowledge

PreventionGenetics, part of Exact Sciences
Classification: Uncertain significance for MAGEL2-related condition. Last evaluated: 2025-04-11. Review status: criteria provided, single submitter. Criteria: ACMG Guidelines, 2015. Collection method: clinical testing. Allele origin: germline.
Comment: The MAGEL2 c.2831G>A variant is predicted to result in the amino acid substitution p.Ser944Asn. To our knowledge, this variant has not been reported in the literature or in a large population database (gnomAD), indicating this variant is rare. At this time, the clinical significance of this variant is uncertain due to the absence of conclusive functional and genetic evidence.

NM_019066.5(MAGEL2):c.2831G>A (p.Ser944Asn)

Gene: MAGEL2 (MAGE family member L2; minus strand). Cytogenetic location: 15q11.2.
Variant type: single nucleotide variant.
Coding change: c.2831G>A on transcript NM_019066.5 (MANE Select); coding-DNA position 2831, G replaced by A.
Protein change: p.Ser944Asn; replaces serine 944 with asparagine.
Molecular consequence: missense variant.
Genome position (GRCh38, 1-based): chr15:23,644,912, C>T on the plus strand (G>A on the coding strand, the complement: MAGEL2 is on the minus strand). VCF-style: chr15-23644912-C-T. GRCh37 (hg19) VCF-style: chr15-23890059-C-T.
Other names: short protein forms S944N.
Identifiers: ClinVar variation 4990159 (VCV004990159.2).